The following is an entry in ClinVar:

NM_001326342.2(CELF2):c.403G>A (p.Ala135Thr)

Gene: CELF2 (CUGBP Elav-like family member 2; plus strand). Cytogenetic location: 10p14.
Variant type: single nucleotide variant.
Coding change: c.403G>A on transcript NM_001326342.2 (MANE Select); coding-DNA position 403, G replaced by A.
Protein change: p.Ala135Thr; replaces alanine 135 with threonine.
Molecular consequence: missense variant. On other transcripts: 5 prime UTR variant (2).
Genome position (GRCh38, 1-based): chr10:11,249,201, G>A. VCF-style: chr10-11249201-G-A. GRCh37 (hg19) VCF-style: chr10-11291164-G-A.
Other names: c.310G>A, p.Ala104Thr (NM_001326320.2, NM_001326321.2, NM_001326323.2 and 15 more transcripts); c.475G>A, p.Ala159Thr (NM_001326325.2); c.382G>A, p.Ala128Thr (NM_001025077.3, NM_001326331.2, NM_001326332.2 and 4 more transcripts); c.418G>A, p.Ala140Thr (NM_001326326.2, NM_001326327.2); c.-223G>A (NM_001326333.2, NM_001326346.2); c.49G>A, p.Ala17Thr (NM_001326338.2, NM_001326339.2); c.403G>A, p.Ala135Thr (NM_001326340.2, NM_001326341.2, NM_001326343.2 and 4 more transcripts); c.334G>A, p.Ala112Thr (NM_001326347.1); short protein forms A104T, A112T, A128T, A135T, A140T, A159T, A17T.
Identifiers: ClinVar variation 3364387 (VCV003364387.2).

ClinVar aggregate classification (germline): Uncertain significance. Review status: criteria provided, multiple submitters, no conflicts (2 of 4 stars). 2 submissions from 2 submitters: Uncertain significance (2). Last evaluated 2024-10-03.

Submissions (2):

Blueprint Genetics
Classification: Uncertain significance. Last evaluated: 2024-10-03. Review status: criteria provided, single submitter. Criteria: ACMG Guidelines, 2015. Collection method: clinical testing. Allele origin: germline.

GeneDx
Classification: Uncertain significance. Last evaluated: 2023-11-22. Review status: criteria provided, single submitter. Criteria: GeneDx Variant Classification Process June 2021. Collection method: clinical testing. Allele origin: germline. Affected: yes.
Comment: Not observed at significant frequency in large population cohorts (gnomAD); In silico analysis supports that this missense variant does not alter protein structure/function, but splice predictors support a deleterious effect on splicing; Has not been previously published as pathogenic or benign to our knowledge